The following is an entry in ClinVar:

ClinVar aggregate classification (germline): Benign/Likely benign. Review status: criteria provided, multiple submitters, no conflicts (2 of 4 stars). 4 submissions from 4 submitters: Benign (1); Likely benign (3). Last evaluated 2025-01-24.

Conditions:
Hereditary nonpolyposis colorectal neoplasms. Identifiers: MedGen C0009405, MeSH D003123.
Hereditary cancer-predisposing syndrome. Also called: Hereditary neoplastic syndrome; Tumor predisposition; Hereditary Cancer Syndrome; Neoplastic Syndromes, Hereditary. Identifiers: Orphanet 140162, MedGen C0027672, MeSH D009386, MONDO:0015356.
Lynch syndrome 4 (LYNCH4). Also called: Colorectal cancer, hereditary nonpolyposis, type 4; Hereditary non-polyposis colorectal cancer, type 4. Identifiers: Orphanet 144, MedGen C1838333, MONDO:0013699, OMIM 614337. Disease mechanism: loss of function.

Allele frequency attached by ClinVar (database versions not stated): TOPMed below 0.00001; gnomAD 0.00001.
gnomAD v4.1: 1 of 1,610,768 alleles (0.000062%); highest among the groups gnomAD compares: Non-Finnish European, 0.000085%; no homozygotes.

Submissions (4):

Myriad Genetics, Inc.
Classification: Benign for Lynch syndrome 4. Last evaluated: 2025-01-24. Review status: criteria provided, single submitter. Criteria: Myriad Autosomal Dominant, Autosomal Recessive and X-Linked Classification Criteria (2023). Collection method: clinical testing. Allele origin: unknown.
Comment: This variant is considered benign. This variant is a silent/synonymous amino acid change and it is not expected to impact splicing.

Labcorp Genetics (formerly Invitae), Labcorp
Classification: Likely benign for Hereditary nonpolyposis colorectal neoplasms. Last evaluated: 2023-07-03. Review status: criteria provided, single submitter. Criteria: Invitae Variant Classification Sherloc (09022015). Collection method: clinical testing. Allele origin: germline.

Ambry Genetics
Classification: Likely benign for Hereditary cancer-predisposing syndrome. Last evaluated: 2019-03-01. Review status: criteria provided, single submitter. Criteria: Ambry Variant Classification Scheme 2023. Collection method: clinical testing. Allele origin: germline.

Color Diagnostics, LLC DBA Color Health
Classification: Likely benign for Hereditary cancer-predisposing syndrome. Last evaluated: 2017-08-17. Review status: criteria provided, single submitter. Criteria: ACMG Guidelines, 2015. Collection method: clinical testing. Allele origin: germline.

NM_000535.7(PMS2):c.357T>C (p.Asp119=)

Gene: PMS2 (PMS1 homolog 2, mismatch repair system component; minus strand). Cytogenetic location: 7p22.1.
Variant type: single nucleotide variant.
Coding change: c.357T>C on transcript NM_000535.7 (MANE Select); coding-DNA position 357, T replaced by C.
Protein change: p.Asp119=; no amino-acid change (aspartic acid 119 retained).
Molecular consequence: synonymous variant. On other transcripts: 5 prime UTR variant (8), non-coding transcript variant (1).
Genome position (GRCh38, 1-based): chr7:6,002,633, A>G on the plus strand (T>C on the coding strand, the complement: PMS2 is on the minus strand). VCF-style: chr7-6002633-A-G. GRCh37 (hg19) VCF-style: chr7-6042264-A-G.
Other names: c.-49T>C (NM_001322003.2, NM_001322004.2, NM_001322005.2 and 3 more transcripts); c.357T>C, p.Asp119= (NM_001322006.2, NM_001322014.2); c.39T>C, p.Asp13= (NM_001322007.2, NM_001322008.2); c.-528T>C (NM_001322011.2, NM_001322012.2); c.48T>C, p.Asp16= (NM_001322015.2).
Identifiers: ClinVar variation 492279 (VCV000492279.15), dbSNP rs1269688714, ClinGen allele CA453647777.